The following is an entry in ClinVar:

NM_022437.3(ABCG8):c.-19T>G

Genes: ABCG5 (ATP binding cassette subfamily G member 5; minus strand), ABCG8 (ATP binding cassette subfamily G member 8; plus strand). Cytogenetic location: 2p21.
Variant type: single nucleotide variant.
Coding change: c.-19T>G on transcript NM_022437.3 (MANE Select); 19 bases upstream of the start codon, T replaced by G.
Molecular consequence: 5 prime UTR variant.
Genome position (GRCh38, 1-based): chr2:43,839,035, T>G. VCF-style: chr2-43839035-T-G. GRCh37 (hg19) VCF-style: chr2-44066174-T-G.
Other names: c.-19T>G (NM_001357321.2).
Identifiers: ClinVar variation 193450 (VCV000193450.22), dbSNP rs3806471, ClinGen allele CA200590.
Genomic context (GRCh38, chr2:43,839,035, plus strand): 5'-AGAGTGAAGACACTGGCCCTGGCAGGCAGCAGCTGGGTCTAAGAGAGCTGCAGCCCAGGG[T>G]CACAGACCTGTGGGCCCCATGGCCGGGAAGGCGGCAGAGGAGAGAGGGCTGCCGAAAGGG-3'

ClinVar aggregate classification (germline): Benign. Review status: criteria provided, multiple submitters, no conflicts (2 of 4 stars). 11 submissions from 11 submitters: Benign (9). 2 of the submissions do not count toward it. Last evaluated 2026-09-21.

Conditions:
Sitosterolemia 1. Identifiers: MedGen C2749759, MONDO:0020747, OMIM 210250.

Allele frequency attached by ClinVar (database versions not stated): ESP Exome Variant Server 0.29207; gnomAD 0.37607 and 0.36621; 1000 Genomes Project 30x 0.48235; 1000 Genomes Project 0.48942; TOPMed 0.37137.
gnomAD v4.1: 546,934 of 1,549,390 alleles (35%); highest among the groups gnomAD compares: East Asian, 85%; 104,532 homozygotes.

Submissions (11):

Molecular Diagnostic Laboratory for Inherited Cardiovascular Disease, Montreal Heart Institute
Classification: Benign. Last evaluated: 2026-09-21. Review status: criteria provided, single submitter. Criteria: ACMG Guidelines, 2015. Collection method: clinical testing. Allele origin: germline. Affected: no.
Comment: BA1

Blueprint Genetics
Classification: Benign. Last evaluated: 2024-11-26. Review status: criteria provided, single submitter. Criteria: ACMG Guidelines, 2015. Collection method: clinical testing. Allele origin: germline.

Women's Health and Genetics/Laboratory Corporation of America, LabCorp
Classification: Benign. Last evaluated: 2023-04-04. Review status: criteria provided, single submitter. Criteria: LabCorp Variant Classification Summary - May 2015. Collection method: clinical testing. Allele origin: germline.

Mayo Clinic Laboratories, Mayo Clinic
Classification: Benign. Last evaluated: 2022-05-05. Review status: criteria provided, single submitter. Criteria: ACMG Guidelines, 2015. Collection method: clinical testing. Allele origin: germline. Observed: 846 variant alleles.

Genome-Nilou Lab
Classification: Benign for Sitosterolemia 1. Last evaluated: 2021-07-14. Review status: criteria provided, single submitter. Criteria: ACMG Guidelines, 2015. Collection method: clinical testing. Allele origin: germline. Affected: no.

GeneDx
Classification: Benign. Last evaluated: 2020-10-14. Review status: criteria provided, single submitter. Criteria: GeneDx Variant Classification (06012015). Collection method: clinical testing. Allele origin: germline. Affected: yes.

Illumina Laboratory Services, Illumina
Classification: Benign for Sitosterolemia 1. Last evaluated: 2018-01-12. Review status: criteria provided, single submitter. Criteria: ICSL Variant Classification Criteria 13 December 2019. Collection method: clinical testing. Allele origin: germline.
Comment: This variant was observed in the ICSL laboratory as part of a predisposition screen in an ostensibly healthy population. It had not been previously curated by ICSL or reported in the Human Gene Mutation Database (HGMD: prior to June 1st, 2018), and was therefore a candidate for classification through an automated scoring system. Utilizing variant allele frequency, disease prevalence and penetrance estimates, and inheritance mode, an automated score was calculated to assess if this variant is too frequent to cause the disease. Based on the score and internal cut-off values, a variant classified as benign is not then subjected to further curation. The score for this variant resulted in a classification of benign for this disease.

Eurofins Ntd Llc (ga)
Classification: Benign. Last evaluated: 2015-04-16. Review status: criteria provided, single submitter. Criteria: EGL Classification Definitions 2015. Collection method: clinical testing. Allele origin: germline. Observed: 3 variant alleles, 2 heterozygotes, 1 homozygote.

Breakthrough Genomics
Classification: Benign. Review status: criteria provided, single submitter. Criteria: ACMG Guidelines, 2015. Collection method: not provided. Allele origin: germline. Inheritance: Autosomal recessive inheritance. Affected: yes.

Clinical Genetics, Academic Medical Center
Classification: Benign. Review status: no assertion criteria provided. Collection method: clinical testing. Allele origin: germline. Affected: yes. Study: VKGL Data-share Consensus. Not counted in ClinVar's aggregate classification.

Joint Genome Diagnostic Labs from Nijmegen and Maastricht, Radboudumc and MUMC+
Classification: Benign. Review status: no assertion criteria provided. Collection method: clinical testing. Allele origin: germline. Affected: yes. Study: VKGL Data-share Consensus. Not counted in ClinVar's aggregate classification.